The following is an entry in ClinVar:

ClinVar aggregate classification (germline): Conflicting classifications of pathogenicity. Review status: criteria provided, conflicting classifications (1 of 4 stars). 2 submissions from 2 submitters: Uncertain significance (1); Likely benign (1). Last evaluated 2026-03-20.

Conditions:
CHD7-related disorder. Also called: CHD7-related condition.
CHARGE syndrome (CHARGE). Also called: CHARGE ASSOCIATION--COLOBOMA, HEART ANOMALY, CHOANAL ATRESIA, RETARDATION, GENITAL AND EAR ANOMALIES; Coloboma, heart anomaly, choanal atresia, retardation, genital and ear anomalies; CHARGE association; Hall-Hittner syndrome; Hittner Hirsch Kreh syndrome. Identifiers: Orphanet 138, MedGen C0265354, MONDO:0008965.

Allele frequency attached by ClinVar (database versions not stated): ExAC 0.00001; gnomAD exomes 0.00001; TOPMed 0.00001.
gnomAD v4.1: 15 of 1,613,706 alleles (0.00093%); highest among the groups gnomAD compares: Non-Finnish European, 0.0012%; no homozygotes.

Submissions (2):

PreventionGenetics, part of Exact Sciences
Classification: Uncertain significance for CHD7-related condition. Last evaluated: 2026-03-20. Review status: criteria provided, single submitter. Criteria: ACMG Guidelines, 2015. Collection method: clinical testing. Allele origin: germline.
Comment: The CHD7 c.4777C>T variant is predicted to result in the amino acid substitution p.Arg1593Cys. To our knowledge, this variant has not been reported in the literature. This variant is reported in 0.0018% of alleles in individuals of European (Non-Finnish) descent in gnomAD. Although we suspect that this variant may be benign, at this time, the clinical significance of this variant is uncertain due to the absence of conclusive functional and genetic evidence.

Labcorp Genetics (formerly Invitae), Labcorp
Classification: Likely benign for CHARGE syndrome. Last evaluated: 2023-08-21. Review status: criteria provided, single submitter. Criteria: Invitae Variant Classification Sherloc (09022015). Collection method: clinical testing. Allele origin: germline.

NM_017780.4(CHD7):c.4777C>T (p.Arg1593Cys)

Gene: CHD7 (chromodomain helicase DNA binding protein 7; plus strand). Cytogenetic location: 8q12.2.
Variant type: single nucleotide variant.
Coding change: c.4777C>T on transcript NM_017780.4 (MANE Select); coding-DNA position 4777, C replaced by T.
Protein change: p.Arg1593Cys; replaces arginine 1593 with cysteine.
Molecular consequence: missense variant. On other transcripts: intron variant (1).
Genome position (GRCh38, 1-based): chr8:60,841,979, C>T. VCF-style: chr8-60841979-C-T. GRCh37 (hg19) VCF-style: chr8-61754538-C-T.
Other names: c.1717-20250C>T (NM_001316690.1); short protein forms R1593C.
Identifiers: ClinVar variation 844967 (VCV000844967.11), dbSNP rs763070165, ClinGen allele CA4760190.